The following is an entry in ClinVar:

NM_000553.6(WRN):c.*415C>G

Gene: WRN (WRN RecQ like helicase; plus strand). Cytogenetic location: 8p12.
Variant type: single nucleotide variant.
Coding change: c.*415C>G on transcript NM_000553.6 (MANE Select); 415 bases downstream of the stop codon, C replaced by G.
Molecular consequence: 3 prime UTR variant.
Genome position (GRCh38, 1-based): chr8:31,173,517, C>G. VCF-style: chr8-31173517-C-G. GRCh37 (hg19) VCF-style: chr8-31031033-C-G.
Identifiers: ClinVar variation 908358 (VCV000908358.4), dbSNP rs11574412, ClinGen allele CA174889716.

ClinVar aggregate classification (germline): Likely benign (1 of 4 stars; one submission).

Conditions:
Werner syndrome (WRN). Identifiers: Orphanet 902, MedGen C0043119, MONDO:0010196, OMIM 277700.

Allele frequency attached by ClinVar (database versions not stated): gnomAD exomes 0.00042; gnomAD 0.00410 and 0.00435; TOPMed 0.00426; 1000 Genomes Project 0.00659; 1000 Genomes Project 30x 0.00734.
gnomAD v4.1: 633 of 188,554 alleles (0.34%); highest among the groups gnomAD compares: African/African-American, 1.4%; 6 homozygotes.

Submission:

Illumina Laboratory Services, Illumina
Classification: Likely benign for Werner syndrome. Last evaluated: 2017-04-27. Review status: criteria provided, single submitter. Criteria: ICSL Variant Classification Criteria 13 December 2019. Collection method: clinical testing. Allele origin: germline.
Comment: This variant was observed as part of a predisposition screen in an ostensibly healthy population. A literature search was performed for the gene, cDNA change, and amino acid change (where applicable). No publications were found based on this search. Allele frequency data from public databases allowed determination this variant is unlikely to cause disease. Therefore, this variant is classified as likely benign.